The following is an entry in ClinVar:

NM_175053.4(KRT74):c.279G>A (p.Met93Ile)

Gene: KRT74 (keratin 74; minus strand). Cytogenetic location: 12q13.13.
Variant type: single nucleotide variant.
Coding change: c.279G>A on transcript NM_175053.4 (MANE Select); coding-DNA position 279, G replaced by A.
Protein change: p.Met93Ile; replaces methionine 93 with isoleucine.
Molecular consequence: missense variant.
Genome position (GRCh38, 1-based): chr12:52,573,499, C>T on the plus strand (G>A on the coding strand, the complement: KRT74 is on the minus strand). VCF-style: chr12-52573499-C-T. GRCh37 (hg19) VCF-style: chr12-52967283-C-T.
Other names: short protein forms M93I.
Identifiers: ClinVar variation 2171372 (VCV002171372.4), dbSNP rs1184157338, ClinGen allele CA384969595.

ClinVar aggregate classification (germline): Uncertain significance (1 of 4 stars; one submission).

Allele frequency attached by ClinVar (database versions not stated): gnomAD exomes below 0.00001; TOPMed 0.00001.
gnomAD v4.1: 2 of 1,614,184 alleles (0.00012%); highest among the groups gnomAD compares: Admixed American, 0.0017%; no homozygotes.

Submission:

Labcorp Genetics (formerly Invitae), Labcorp
Classification: Uncertain significance. Last evaluated: 2022-09-09. Review status: criteria provided, single submitter. Criteria: Invitae Variant Classification Sherloc (09022015). Collection method: clinical testing. Allele origin: germline.
Comment: In summary, the available evidence is currently insufficient to determine the role of this variant in disease. Therefore, it has been classified as a Variant of Uncertain Significance. This sequence change replaces methionine, which is neutral and non-polar, with isoleucine, which is neutral and non-polar, at codon 93 of the KRT74 protein (p.Met93Ile). This variant is not present in population databases (gnomAD no frequency). This variant has not been reported in the literature in individuals affected with KRT74-related conditions. Advanced modeling of protein sequence and biophysical properties (such as structural, functional, and spatial information, amino acid conservation, physicochemical variation, residue mobility, and thermodynamic stability) performed at Invitae indicates that this missense variant is not expected to disrupt KRT74 protein function.